The following is an entry in ClinVar:

NM_002519.3(NPAT):c.2674G>A (p.Gly892Arg)

Gene: NPAT (nuclear protein, coactivator of histone transcription; minus strand). Cytogenetic location: 11q22.3.
Variant type: single nucleotide variant.
Coding change: c.2674G>A on transcript NM_002519.3 (MANE Select); coding-DNA position 2674, G replaced by A.
Protein change: p.Gly892Arg; replaces glycine 892 with arginine.
Molecular consequence: missense variant.
Genome position (GRCh38, 1-based): chr11:108,172,310, C>T on the plus strand (G>A on the coding strand, the complement: NPAT is on the minus strand). VCF-style: chr11-108172310-C-T. GRCh37 (hg19) VCF-style: chr11-108043037-C-T.
Other names: c.2674G>A, p.Gly892Arg (NM_001321307.1); short protein forms G892R.
Identifiers: ClinVar variation 2587648 (VCV002587648.2), dbSNP rs2496716372, ClinGen allele CA382512476.

ClinVar aggregate classification (germline): Uncertain significance (1 of 4 stars; one submission).

Submission:

Ambry Genetics
Classification: Uncertain significance. Last evaluated: 2023-06-18. Review status: criteria provided, single submitter. Criteria: Ambry Variant Classification Scheme 2023. Collection method: clinical testing. Allele origin: germline.
Comment: The p.G892R variant (also known as c.2674G>A), located in coding exon 13 of the NPAT gene, results from a G to A substitution at nucleotide position 2674. The glycine at codon 892 is replaced by arginine, an amino acid with dissimilar properties. This amino acid position is conserved. In addition, this alteration is predicted to be tolerated by in silico analysis. Since supporting evidence is limited at this time, the clinical significance of this alteration remains unclear.